The following is an entry in ClinVar:

NM_001377229.1(DISP1):c.3296C>T (p.Pro1099Leu)

Gene: DISP1 (dispatched RND transporter family member 1; plus strand). Cytogenetic location: 1q41.
Variant type: single nucleotide variant.
Coding change: c.3296C>T on transcript NM_001377229.1 (MANE Select); coding-DNA position 3296, C replaced by T.
Protein change: p.Pro1099Leu; replaces proline 1099 with leucine.
Molecular consequence: missense variant.
Genome position (GRCh38, 1-based): chr1:223,004,693, C>T. VCF-style: chr1-223004693-C-T. GRCh37 (hg19) VCF-style: chr1-223178035-C-T.
Other names: c.2567C>T, p.Pro856Leu (NM_001350630.2); c.3296C>T, p.Pro1099Leu (NM_001369594.1, NM_001377228.1, NM_032890.5); short protein forms P1099L, P856L.
Identifiers: ClinVar variation 2883987 (VCV002883987.2), dbSNP rs772292374, ClinGen allele CA1409388.

ClinVar aggregate classification (germline): Uncertain significance (1 of 4 stars; one submission).

Allele frequency attached by ClinVar (database versions not stated): ExAC 0.00002; gnomAD 0.00002; TOPMed 0.00003; gnomAD exomes 0.00005.
gnomAD v4.1: 76 of 1,613,942 alleles (0.0047%); highest among the groups gnomAD compares: Non-Finnish European, 0.0063%; no homozygotes.

Submission:

Labcorp Genetics (formerly Invitae), Labcorp
Classification: Uncertain significance. Last evaluated: 2024-10-30. Review status: criteria provided, single submitter. Criteria: Invitae Variant Classification Sherloc (09022015). Collection method: clinical testing. Allele origin: germline.
Comment: This sequence change replaces proline, which is neutral and non-polar, with leucine, which is neutral and non-polar, at codon 1099 of the DISP1 protein (p.Pro1099Leu). This variant is present in population databases (rs772292374, gnomAD 0.004%). This missense change has been observed in individual(s) with spina bifida (PMID: 30838450). ClinVar contains an entry for this variant (Variation ID: 2883987). An algorithm developed to predict the effect of missense changes on protein structure and function (PolyPhen-2) suggests that this variant is likely to be disruptive. In summary, the available evidence is currently insufficient to determine the role of this variant in disease. Therefore, it has been classified as a Variant of Uncertain Significance.

Literature cited by the submitters: PubMed 30838450.